The following is an entry in ClinVar:

NM_021078.3(KAT2A):c.2340G>A (p.Glu780=)

Gene: KAT2A (lysine acetyltransferase 2A; minus strand). Cytogenetic location: 17q21.2.
Variant type: single nucleotide variant.
Coding change: c.2340G>A on transcript NM_021078.3 (MANE Select); coding-DNA position 2340, G replaced by A.
Protein change: p.Glu780=; no amino-acid change (glutamic acid 780 retained).
Molecular consequence: synonymous variant.
Genome position (GRCh38, 1-based): chr17:42,113,823, C>T on the plus strand (G>A on the coding strand, the complement: KAT2A is on the minus strand). VCF-style: chr17-42113823-C-T. GRCh37 (hg19) VCF-style: chr17-40265841-C-T.
Other names: c.2343G>A, p.Glu781= (NM_001376227.1).
Identifiers: ClinVar variation 2647782 (VCV002647782.24), dbSNP rs377452807, ClinGen allele CA8571341.
Genomic context (GRCh38, chr17:42,113,823, plus strand): 5'-GACCCGCTGCAGGTCGGCCACAAAGAGCTTCCGGGTCACGTAGTAGCGGCTTCGCAGCCG[C>T]TCAGTCATGGTCTTCAGGTCTGGGGCAGCAGGAGACGGAGCACAGCTTTAAGAGGCTGAA-3'
Protein context (NP_066564.2, residues 770-790): RFPIDLKTMT[Glu780=]RLRSRYYVTR

ClinVar aggregate classification (germline): Likely benign (1 of 4 stars; one submission).

Allele frequency attached by ClinVar (database versions not stated): TOPMed 0.00006; gnomAD exomes 0.00013; gnomAD 0.00019; ExAC 0.00030; 1000 Genomes Project 0.00140; 1000 Genomes Project 30x 0.00141.
gnomAD v4.1: 245 of 1,598,554 alleles (0.015%); highest among the groups gnomAD compares: South Asian, 0.19%; 3 homozygotes.

Submission:

CeGaT Center for Human Genetics Tuebingen
Classification: Likely benign. Last evaluated: 2022-11-01. Review status: criteria provided, single submitter. Criteria: CeGaT Center For Human Genetics Tuebingen Variant Classification Criteria Version 2. Collection method: clinical testing. Allele origin: germline. Affected: yes. Observed: 1 variant allele.
Comment: KAT2A: BP4, BP7